The following is an entry in ClinVar:

ClinVar aggregate classification (germline): Pathogenic (1 of 4 stars; one submission).

Conditions:
Fanconi anemia (FA). Also called: Fanconi's anemia. Identifiers: Orphanet 84, MedGen C0015625, MeSH D005199, MONDO:0019391.

Allele frequency attached by ClinVar (database versions not stated): gnomAD exomes below 0.00001.

Submission:

Labcorp Genetics (formerly Invitae), Labcorp
Classification: Pathogenic for Fanconi anemia. Last evaluated: 2022-10-12. Review status: criteria provided, single submitter. Criteria: Invitae Variant Classification Sherloc (09022015). Collection method: clinical testing. Allele origin: germline.
Comment: For these reasons, this variant has been classified as Pathogenic. This variant has not been reported in the literature in individuals affected with FANCG-related conditions. This variant is not present in population databases (gnomAD no frequency). This sequence change creates a premature translational stop signal (p.Gln215*) in the FANCG gene. It is expected to result in an absent or disrupted protein product. Loss-of-function variants in FANCG are known to be pathogenic (PMID: 12552564).

Literature cited by the submitters: PubMed 12552564.

NM_004629.2(FANCG):c.643C>T (p.Gln215Ter)

Gene: FANCG (FA complementation group G; minus strand). Cytogenetic location: 9p13.3.
Variant type: single nucleotide variant.
Coding change: c.643C>T on transcript NM_004629.2 (MANE Select); coding-DNA position 643, C replaced by T.
Protein change: p.Gln215Ter; replaces glutamine 215 with a stop codon.
Molecular consequence: nonsense.
Genome position (GRCh38, 1-based): chr9:35,077,267, G>A on the plus strand (C>T on the coding strand, the complement: FANCG is on the minus strand). VCF-style: chr9-35077267-G-A. GRCh37 (hg19) VCF-style: chr9-35077264-G-A.
Other names: short protein forms Q215*.
Identifiers: ClinVar variation 2030792 (VCV002030792.4), dbSNP rs2490404395, ClinGen allele CA373313871.